The following is an entry in ClinVar:

NM_001902.6(CTH):c.200C>T (p.Thr67Ile)

Gene: CTH (cystathionine gamma-lyase; plus strand). Cytogenetic location: 1p31.1.
Variant type: single nucleotide variant.
Coding change: c.200C>T on transcript NM_001902.6 (MANE Select); coding-DNA position 200, C replaced by T.
Protein change: p.Thr67Ile; replaces threonine 67 with isoleucine.
Molecular consequence: missense variant.
Genome position (GRCh38, 1-based): chr1:70,415,987, C>T. VCF-style: chr1-70415987-C-T. GRCh37 (hg19) VCF-style: chr1-70881670-C-T.
Other names: CTH, THR67ILE (rs28941785); c.200C>T, p.Thr67Ile (NM_001190463.2, NM_153742.5); short protein forms T67I.
Identifiers: ClinVar variation 2939 (VCV000002939.42), dbSNP rs28941785, ClinGen allele CA115889.
Genomic context (GRCh38, chr1:70,415,987, plus strand): 5'-TAGGATGAACTCGAACTTGTTTTTTTCAGGGTTTTGAATATAGCCGTTCTGGAAATCCCA[C>T]TAGGAATTGCCTTGAAAAAGCAGTGGCAGCACTGGATGGGGCTAAGTACTGTAAGTAATT-3'
Protein context (NP_001893.2, residues 57-77): GFEYSRSGNP[Thr67Ile]RNCLEKAVAA

ClinVar aggregate classification (germline): Conflicting classifications of pathogenicity. Review status: criteria provided, conflicting classifications (1 of 4 stars). 12 submissions from 12 submitters: Pathogenic (3); Likely pathogenic (3); Uncertain significance (4). 2 of the submissions do not count toward it. Last evaluated 2026-08-06.

Conditions:
CTH-related disorder. Also called: CTH-related condition.
Cystathioninuria. Also called: CYSTATHIONASE DEFICIENCY. Identifiers: Orphanet 212, MedGen C0220993, MONDO:0009058, OMIM 219500, HP:0003153.

Allele frequency attached by ClinVar (database versions not stated): 1000 Genomes Project 0.00260; 1000 Genomes Project 30x 0.00297; gnomAD 0.00679 and 0.00693; TOPMed 0.00708.
gnomAD v4.1: 12,927 of 1,610,620 alleles (0.8%); highest among the groups gnomAD compares: Admixed American, 0.97%; 73 homozygotes.

Submissions (12):

OLLIN Analises Genomicas, OLLIN
Classification: Likely pathogenic for Cystathioninuria. Last evaluated: 2026-08-06. Review status: criteria provided, single submitter. Criteria: ACMG Guidelines 2015 PMID 25741868. Collection method: clinical testing. Allele origin: germline. Inheritance: Autosomal recessive inheritance.
Comment: This missense variant, located in exon 2 (of 12), has been reported in ClinVar (accession VCV000002939.40), in gnomAD with an allele frequency of 0.803%, and in the scientific literature, in compound heterozygosity, in individuals with CTH related disorders (PMID: 19428278, 18476726, 20584029, 12574942). Functional studies suggest that this variant may affect protein function, and in silico analysis predicts a deleterious effect (PMID: 19428278, 18476726). According to the currently available evidence, this variant has been classified as likely pathogenic (PS3_P, PM3_S, PP3_M).

Dasa
Classification: Pathogenic. Last evaluated: 2026-04-17. Review status: criteria provided, single submitter. Criteria: DASA Assertion Criteria. Collection method: clinical testing. Allele origin: germline.
Comment: NM_001902.6(CTH):c.200C>T (p.Thr67Ile) is a missense variant that results in the substitution of threonine with isoleucine. Functional evidence supports a deleterious effect on the gene or gene product (PMID: 20584029; PMID: 19428278). This variant has been recurrently observed in individuals with related phenotype (PMID: 20584029; PMID: 19428278). Segregation evidence has been reported in affected families. Multiple computational predictions support a deleterious effect on the gene or gene product. The variant is present at low frequency in population datasets. Based on the available data, this variant is classified as pathogenic.

Variantyx, Inc.
Classification: Likely pathogenic for Cystathioninuria. Last evaluated: 2025-08-04. Review status: criteria provided, single submitter. Criteria: Variantyx Assertion Criteria 2022. Collection method: clinical testing. Allele origin: germline. Inheritance: Autosomal recessive inheritance. Affected: no.
Comment: This is a nonsynonymous variant in the CTH gene (OMIM: 607657). Pathogenic variants in this gene have been associated with autosomal recessive cystathioninuria. This variant has been reported in the homozygous or compound heterozygous state in several unrelated affected individuals (PMID: 19428278, 12574942, 20584029) (PM3_Strong). Functional studies have shown that this variant alters CTH protein function (PMID: 19428278, 18476726) (PS3). Multiple computational algorithms predict a deleterious effect for this variant (REVEL score: 0.931) (PP3_Moderate). This variant has a 0.9731% maximum allele frequency in non-founder control populations. Based on the current evidence, this variant is classified as pathogenic for autosomal recessive cystathioninuria.

First Genomix Gene Laboratory, Genetic Diagnostics Department
Classification: Likely pathogenic for Cystathioninuria. Last evaluated: 2025-05-07. Review status: criteria provided, single submitter. Criteria: ACMG Guidelines, 2015. Collection method: clinical testing. Allele origin: germline. Inheritance: Autosomal recessive inheritance. Affected: no. Observed: 1 variant allele.

Genomic Medicine Center of Excellence, King Faisal Specialist Hospital and Research Centre
Classification: Uncertain significance for Cystathioninuria. Last evaluated: 2024-04-04. Review status: criteria provided, single submitter. Criteria: ACMG Guidelines, 2015. Collection method: clinical testing. Allele origin: germline.

CeGaT Center for Human Genetics Tuebingen
Classification: Uncertain significance. Last evaluated: 2024-01-01. Review status: criteria provided, single submitter. Criteria: CeGaT Center For Human Genetics Tuebingen Variant Classification Criteria Version 2. Collection method: clinical testing. Allele origin: germline. Affected: yes. Observed: 1 variant allele.
Comment: CTH: PP4:Moderate, PS3:Supporting

Department of Pathology and Laboratory Medicine, Sinai Health System
Classification: Pathogenic for Cystathioninuria. Last evaluated: 2023-09-05. Review status: criteria provided, single submitter. Criteria: ACMG Guidelines, 2015. Collection method: research. Allele origin: germline.

Genomic Research Center, Shahid Beheshti University of Medical Sciences
Classification: Uncertain significance for Cystathioninuria. Last evaluated: 2019-04-27. Review status: criteria provided, single submitter. Criteria: ACMG Guidelines, 2015. Collection method: clinical testing. Allele origin: unknown. Affected: no.

Eurofins Ntd Llc (ga)
Classification: Uncertain significance. Last evaluated: 2018-02-05. Review status: criteria provided, single submitter. Criteria: EGL Classification Definitions 2015. Collection method: clinical testing. Allele origin: germline. Observed: 4 variant alleles, 4 heterozygotes.

Illumina Laboratory Services, Illumina
Classification: Pathogenic for Cystathioninuria. Last evaluated: 2016-06-14. Review status: criteria provided, single submitter. Criteria: ICSL Variant Classification 20161018. Collection method: clinical testing. Allele origin: germline.
Comment: The c.200C>T (p.Thr67Ile) variant has been reported in three studies in which it is found in a total of 13 cystathioninuria patients including five in a homozygous state, three in a compound heterozygous state, and a five in a heterozygous state (Wang et al. 2003; Kraus et al. 2009; EspinÃ³s et al. 2010). All individuals homozygous for the p.Thr67Ile variant showed a marked elevation of plasma cystathionine. The p.Thr67Ile variant was reported in a heterozygous state in a total of six out of 822 control alleles and is reported at a frequency of 0.01869 in the Iberian population in Spain cohort of the 1000 Genomes Project. This allele frequency is high but is consistent with the disease prevalence. Functional studies by Kraus et al. (2009) and Zhu et al. (2008) demonstrated that the p.Thr67Ile variant protein has decreased catalytic activity of 13 - 29% compared to wild type. Based on the collective evidence, the p.Thr67Ile variant is classified as a pathogenic variant for cystathioninuria.

PreventionGenetics, part of Exact Sciences
Classification: Likely pathogenic for CTH-related condition. Last evaluated: 2024-06-28. Review status: no assertion criteria provided. Collection method: clinical testing. Allele origin: germline. Not counted in ClinVar's aggregate classification.
Comment: The CTH c.200C>T variant is predicted to result in the amino acid substitution p.Thr67Ile. This variant has been shown to decrease the activity of the CTH protein substantially relative to the wild-type protein, and has previously been reported to be causative for cystathioninuria (Wang and Hegele. 2003. PubMed ID: 12574942; Zhu et al. 2008. PubMed ID: 18476726; Kraus et al. 2009. PubMed ID: 19428278; Espinós et al. 2010. PubMed ID: 20584029). It should be noted that the allele frequency of the c.200C>T variant is up to ~1% in multiple populations in gnomAD. However, cystathioninuria has been reported in patients with a wide variety of disorders, ranging from more severely affected to asymptomatic individuals; thus, this relatively high allele frequency may not be inconsistent with a causative effect on the CTH protein (e.g., Wang and Hegele. 2003, PubMed ID: 12574942; Kraus et al. 2009, PubMed ID: 19428278). This variant is interpreted as likely pathogenic.

OMIM
Classification: Pathogenic for CYSTATHIONINURIA. Last evaluated: 2010-12-01. Review status: no assertion criteria provided. Collection method: literature only. Allele origin: germline. Not counted in ClinVar's aggregate classification.

Literature cited by the submitters: PubMed 19428278 (cited by 4 submitters); PubMed 18476726 (cited by 3 submitters); PubMed 20584029 (cited by 5 submitters); PubMed 12574942 (cited by 4 submitters); PubMed 19019829 (cited by Illumina Laboratory Services, Illumina).